The following is an entry in ClinVar:

NM_001330588.2(TPP2):c.2129G>A (p.Cys710Tyr)

Gene: TPP2 (tripeptidyl peptidase 2; plus strand). Cytogenetic location: 13q33.1.
Variant type: single nucleotide variant.
Coding change: c.2129G>A on transcript NM_001330588.2 (MANE Select); coding-DNA position 2129, G replaced by A.
Protein change: p.Cys710Tyr; replaces cysteine 710 with tyrosine.
Molecular consequence: missense variant. On other transcripts: non-coding transcript variant (1).
Genome position (GRCh38, 1-based): chr13:102,643,330, G>A. VCF-style: chr13-102643330-G-A. GRCh37 (hg19) VCF-style: chr13-103295680-G-A.
Other names: c.2129G>A, p.Cys710Tyr (NM_001367947.1, NM_003291.4); short protein forms C710Y.
Identifiers: ClinVar variation 3181563 (VCV003181563.2), dbSNP rs780338335, ClinGen allele CA7037921.

ClinVar aggregate classification (germline): Uncertain significance. Review status: criteria provided, multiple submitters, no conflicts (2 of 4 stars). 2 submissions from 2 submitters: Uncertain significance (2). Last evaluated 2025-10-03.

Conditions:
Inborn genetic diseases. Identifiers: MedGen C0950123, MeSH D030342.
Evans syndrome, immunodeficiency, and premature immunosenescence associated with tripeptidyl-peptidase II deficiency. Identifiers: MedGen CN231723. Disease mechanism: loss of function.

Allele frequency attached by ClinVar (database versions not stated): gnomAD exomes below 0.00001; ExAC 0.00002; TOPMed below 0.00001.
gnomAD v4.1: 1 of 1,612,778 alleles (0.000062%); highest among the groups gnomAD compares: East Asian, 0.0022%; no homozygotes.

Submissions (2):

Labcorp Genetics (formerly Invitae), Labcorp
Classification: Uncertain significance for Evans syndrome, immunodeficiency, and premature immunosenescence associated with tripeptidyl-peptidase II deficiency. Last evaluated: 2025-10-03. Review status: criteria provided, single submitter. Criteria: Invitae Variant Classification Sherloc (09022015). Collection method: clinical testing. Allele origin: germline.
Comment: This sequence change replaces cysteine, which is neutral and slightly polar, with tyrosine, which is neutral and polar, at codon 710 of the TPP2 protein (p.Cys710Tyr). This variant is present in population databases (rs780338335, gnomAD 0.01%). This variant has not been reported in the literature in individuals affected with TPP2-related conditions. ClinVar contains an entry for this variant (Variation ID: 3181563). An algorithm developed to predict the effect of missense changes on protein structure and function (PolyPhen-2) suggests that this variant is likely to be tolerated. In summary, the available evidence is currently insufficient to determine the role of this variant in disease. Therefore, it has been classified as a Variant of Uncertain Significance.

Ambry Genetics
Classification: Uncertain significance for Inborn genetic diseases. Last evaluated: 2024-03-12. Review status: criteria provided, single submitter. Criteria: Ambry Variant Classification Scheme 2023. Collection method: clinical testing. Allele origin: germline.